The following is an entry in ClinVar:

ClinVar aggregate classification (germline): Uncertain significance (1 of 4 stars; one submission).

Conditions:
Inborn genetic diseases. Identifiers: MedGen C0950123, MeSH D030342.

Submission:

Ambry Genetics
Classification: Uncertain significance for Inborn genetic diseases. Last evaluated: 2025-11-25. Review status: criteria provided, single submitter. Criteria: Ambry Variant Classification Scheme 2023. Collection method: clinical testing. Allele origin: germline.
Comment: The p.R367S variant (also known as c.1101G>C), located in coding exon 3 of the MBD4 gene, results from a G to C substitution at nucleotide position 1101. The arginine at codon 367 is replaced by serine, an amino acid with dissimilar properties. This amino acid position is conserved. In addition, this alteration is predicted to be tolerated by in silico analysis. Based on the available evidence, the clinical significance of this variant remains unclear.

NM_001276270.2(MBD4):c.1101G>C (p.Arg367Ser)

Gene: MBD4 (methyl-CpG binding domain 4, DNA glycosylase; minus strand). Cytogenetic location: 3q21.3.
Variant type: single nucleotide variant.
Coding change: c.1101G>C on transcript NM_001276270.2 (MANE Select); coding-DNA position 1101, G replaced by C.
Protein change: p.Arg367Ser; replaces arginine 367 with serine.
Molecular consequence: missense variant. On other transcripts: intron variant (1).
Genome position (GRCh38, 1-based): chr3:129,436,543, C>G on the plus strand (G>C on the coding strand, the complement: MBD4 is on the minus strand). VCF-style: chr3-129436543-C-G. GRCh37 (hg19) VCF-style: chr3-129155386-C-G.
Other names: c.1101G>C, p.Arg367Ser (NM_001276271.2, NM_001276272.2, NM_003925.3); c.247+1265G>C (NM_001276273.2); short protein forms R367S.
Identifiers: ClinVar variation 4624429 (VCV004624429.1).